The following is an entry in ClinVar:

ClinVar aggregate classification (germline): Uncertain significance. Review status: criteria provided, single submitter (1 of 4 stars). 2 submissions from 2 submitters: Uncertain significance (1). 1 of the submissions does not count toward it. Last evaluated 2022-01-07.

Conditions:
PLXNA1-related disorder. Also called: PLXNA1-related condition.
Dworschak-Punetha neurodevelopmental syndrome (DWOPNED). Identifiers: MedGen C5677017, MONDO:0859260, OMIM 619955.

Allele frequency attached by ClinVar (database versions not stated): TOPMed 0.00005.
gnomAD v4.1: 20 of 1,509,534 alleles (0.0013%); highest among the groups gnomAD compares: African/African-American, 0.025%; no homozygotes.

Submissions (2):

New York Genome Center
Classification: Uncertain significance for Dworschak-Punetha neurodevelopmental syndrome. Last evaluated: 2022-01-07. Review status: criteria provided, single submitter. Criteria: NYGC Assertion Criteria 2020. Collection method: clinical testing. Allele origin: inherited. Observed: 1 heterozygote. Study: CSER-NYCKidSeq.

PreventionGenetics, part of Exact Sciences
Classification: Uncertain significance for PLXNA1-related condition. Last evaluated: 2024-03-27. Review status: no assertion criteria provided. Collection method: clinical testing. Allele origin: germline. Not counted in ClinVar's aggregate classification.
Comment: The PLXNA1 c.5C>A variant is predicted to result in the amino acid substitution p.Pro2Gln. To our knowledge, this variant has not been reported in the literature or in a large population database, indicating this variant is rare. At this time, the clinical significance of this variant is uncertain due to the absence of conclusive functional and genetic evidence.

NM_032242.4(PLXNA1):c.5C>A (p.Pro2Gln)

Gene: PLXNA1 (plexin A1; plus strand). Cytogenetic location: 3q21.3.
Variant type: single nucleotide variant.
Coding change: c.5C>A on transcript NM_032242.4 (MANE Select); coding-DNA position 5, C replaced by A.
Protein change: p.Pro2Gln; replaces proline 2 with glutamine.
Molecular consequence: missense variant.
Genome position (GRCh38, 1-based): chr3:126,988,598, C>A. VCF-style: chr3-126988598-C-A. GRCh37 (hg19) VCF-style: chr3-126707441-C-A.
Other names: short protein forms P2Q.
Identifiers: ClinVar variation 983372 (VCV000983372.3), dbSNP rs576960383, ClinGen allele CA83277646.